The following is an entry in ClinVar:

NM_007055.4(POLR3A):c.2629A>G (p.Lys877Glu)

Gene: POLR3A (RNA polymerase III subunit A; minus strand). Cytogenetic location: 10q22.3.
Variant type: single nucleotide variant.
Coding change: c.2629A>G on transcript NM_007055.4 (MANE Select); coding-DNA position 2629, A replaced by G.
Protein change: p.Lys877Glu; replaces lysine 877 with glutamic acid.
Molecular consequence: missense variant.
Genome position (GRCh38, 1-based): chr10:77,993,355, T>C on the plus strand (A>G on the coding strand, the complement: POLR3A is on the minus strand). VCF-style: chr10-77993355-T-C. GRCh37 (hg19) VCF-style: chr10-79753113-T-C.
Other names: short protein forms K877E.
Identifiers: ClinVar variation 4531541 (VCV004531541.1).

ClinVar aggregate classification (germline): Uncertain significance (1 of 4 stars; one submission).

Conditions:
POLR3A-related disorder. Also called: POLR3A-related condition; POLR3A-related disorders. Identifiers: MedGen CN378587, MONDO:0700276.

Submission:

Victorian Clinical Genetics Services, Murdoch Childrens Research Institute
Classification: Uncertain significance for POLR3A-related disorder. Last evaluated: 2025-06-11. Review status: criteria provided, single submitter. Criteria: ACMG Guidelines, 2015. Collection method: clinical testing. Allele origin: germline. Affected: yes.
Comment: This variant is classified as VUS-3A. Evidence in support of pathogenic classification: Variant is absent from gnomAD (v2, v3 and v4); Missense variant in a region that is highly intolerant to missense variation (high constraint region in DECIPHER); Missense variant predicted to be damaging by in silico tool(s) or highly conserved with a major amino acid change. Additional information: Variant is predicted to result in a missense amino acid change from lysine to glutamic acid; This variant is heterozygous; This gene is associated with autosomal recessive disease; This variant has no previous evidence of pathogenicity; No published segregation evidence has been identified for this variant; No published functional evidence has been identified for this variant; No comparable missense variants have previous evidence for pathogenicity; Loss of function is a known mechanism of disease in this gene and is associated with POLR3A-related disorder (MONDO:0700276); Variants in this gene are known to have variable expressivity. Intrafamilial variability in individuals with a leukodystrophy phenotype have been reported (PMID:21855841).

Literature cited by the submitters: PubMed 21855841.